The following is an entry in ClinVar:

NC_000019.9:g.(?_41916522)_(41932683_?)del

Genes: B3GNT8 (UDP-GlcNAc:betaGal beta-1,3-N-acetylglucosaminyltransferase 8; minus strand), BCKDHA (branched chain keto acid dehydrogenase E1 subunit alpha; plus strand). Cytogenetic location: 19q13.2.
Variant type: Deletion.
Identifiers: ClinVar variation 3248403 (VCV003248403.1).

ClinVar aggregate classification (germline): Pathogenic (1 of 4 stars; one submission).

Conditions:
Maple syrup urine disease (MSUD). Identifiers: Orphanet 511, MedGen C0024776, MeSH D008375, MONDO:0009563. Disease mechanism: loss of function.

Submission:

Labcorp Genetics (formerly Invitae), Labcorp
Classification: Pathogenic for Maple syrup urine disease. Last evaluated: 2023-09-10. Review status: criteria provided, single submitter. Criteria: Invitae Variant Classification Sherloc (09022015). Collection method: clinical testing. Allele origin: unknown.
Comment: For these reasons, this variant has been classified as Pathogenic. This variant disrupts a region of the BCKDHA protein in which other variant(s) (p.Tyr438Asn) have been determined to be pathogenic (PMID: 2703538, 11825067, 12888983, 20136525). This suggests that this is a clinically significant region of the protein, and that variants that disrupt it are likely to be disease-causing. This variant has not been reported in the literature in individuals affected with BCKDHA-related conditions. This variant is a gross deletion of the genomic region encompassing exon(s) 2-9 of the BCKDHA gene, which includes the termination codon. This deletion extends beyond the assayed region for this gene and therefore may encompass additional genes. While this deletion is not anticipated to lead to nonsense mediated decay, it is expected to alter mRNA translation or result in a truncated protein product.

Literature cited by the submitters: PubMed 2703538; PubMed 11825067; PubMed 12888983; PubMed 20136525.